The following is an entry in ClinVar:

NM_001376.5(DYNC1H1):c.13520T>C (p.Ile4507Thr)

Gene: DYNC1H1 (dynein cytoplasmic 1 heavy chain 1; plus strand). Cytogenetic location: 14q32.31.
Variant type: single nucleotide variant.
Coding change: c.13520T>C on transcript NM_001376.5 (MANE Select); coding-DNA position 13520, T replaced by C.
Protein change: p.Ile4507Thr; replaces isoleucine 4507 with threonine.
Molecular consequence: missense variant.
Genome position (GRCh38, 1-based): chr14:102,049,718, T>C. VCF-style: chr14-102049718-T-C. GRCh37 (hg19) VCF-style: chr14-102516055-T-C.
Other names: short protein forms I4507T.
Identifiers: ClinVar variation 3636195 (VCV003636195.2).

ClinVar aggregate classification (germline): Uncertain significance (1 of 4 stars; one submission).

Conditions:
Charcot-Marie-Tooth disease axonal type 2O. Also called: Charcot-Marie-Tooth disease, axonal, type 20; CHARCOT-MARIE-TOOTH NEUROPATHY, AXONAL, TYPE 2O; CHARCOT-MARIE-TOOTH DISEASE, AXONAL, AUTOSOMAL DOMINANT, TYPE 2O; Charcot-Marie-Tooth Neuropathy Type 2O. Identifiers: Orphanet 284232, MedGen C3280220, MONDO:0013644, OMIM 614228.

Submission:

Labcorp Genetics (formerly Invitae), Labcorp
Classification: Uncertain significance for Charcot-Marie-Tooth disease axonal type 2O. Last evaluated: 2024-10-29. Review status: criteria provided, single submitter. Criteria: Invitae Variant Classification Sherloc (09022015). Collection method: clinical testing. Allele origin: germline.
Comment: This sequence change replaces isoleucine, which is neutral and non-polar, with threonine, which is neutral and polar, at codon 4507 of the DYNC1H1 protein (p.Ile4507Thr). This variant is not present in population databases (gnomAD no frequency). This variant has not been reported in the literature in individuals affected with DYNC1H1-related conditions. Invitae Evidence Modeling of protein sequence and biophysical properties (such as structural, functional, and spatial information, amino acid conservation, physicochemical variation, residue mobility, and thermodynamic stability) indicates that this missense variant is not expected to disrupt DYNC1H1 protein function with a negative predictive value of 95%. In summary, the available evidence is currently insufficient to determine the role of this variant in disease. Therefore, it has been classified as a Variant of Uncertain Significance.